The following is an entry in ClinVar:

NM_023935.3(DDRGK1):c.391C>T (p.Arg131Ter)

Gene: DDRGK1 (DDRGK domain containing 1; minus strand). Cytogenetic location: 20p13.
Variant type: single nucleotide variant.
Coding change: c.391C>T on transcript NM_023935.3 (MANE Select); coding-DNA position 391, C replaced by T.
Protein change: p.Arg131Ter; replaces arginine 131 with a stop codon.
Molecular consequence: nonsense.
Genome position (GRCh38, 1-based): chr20:3,200,359, G>A on the plus strand (C>T on the coding strand, the complement: DDRGK1 is on the minus strand). VCF-style: chr20-3200359-G-A. GRCh37 (hg19) VCF-style: chr20-3181005-G-A.
Other names: short protein forms R131*.
Identifiers: ClinVar variation 2073894 (VCV002073894.5), dbSNP rs1011589357, ClinGen allele CA310953366.

ClinVar aggregate classification (germline): Pathogenic. Review status: criteria provided, multiple submitters, no conflicts (2 of 4 stars). 2 submissions from 2 submitters: Pathogenic (2). Last evaluated 2025-01-10.

Conditions:
Spondyloepimetaphyseal dysplasia, Shohat type. Also called: SEMD Shohat type. Identifiers: Orphanet 93352, MedGen C1865185, MONDO:0011252, OMIM 602557.

Allele frequency attached by ClinVar (database versions not stated): gnomAD 0.00001; gnomAD exomes 0.00001; TOPMed 0.00002.
gnomAD v4.1: 11 of 1,569,540 alleles (0.0007%); highest among the groups gnomAD compares: South Asian, 0.0023%; no homozygotes.

Submissions (2):

Women's Health and Genetics/Laboratory Corporation of America, LabCorp
Classification: Pathogenic for Spondyloepimetaphyseal dysplasia, Shohat type. Last evaluated: 2025-01-10. Review status: criteria provided, single submitter. Criteria: LabCorp Variant Classification Summary - May 2015. Collection method: clinical testing. Allele origin: germline.
Comment: Variant summary: DDRGK1 c.391C>T (p.Arg131X) results in a premature termination codon, predicted to cause a truncation of the encoded protein or absence of the protein due to nonsense mediated decay, which are commonly known mechanisms for disease. The variant allele was found at a frequency of 5.5e-06 in 181138 control chromosomes. To our knowledge, no occurrence of c.391C>T in individuals affected with Spondyloepimetaphyseal Dysplasia, Shohat Type and no experimental evidence demonstrating its impact on protein function have been reported. ClinVar contains an entry for this variant (Variation ID: 2073894). Based on the evidence outlined above, the variant was classified as pathogenic.

Labcorp Genetics (formerly Invitae), Labcorp
Classification: Pathogenic. Last evaluated: 2022-08-09. Review status: criteria provided, single submitter. Criteria: Invitae Variant Classification Sherloc (09022015). Collection method: clinical testing. Allele origin: germline.
Comment: This sequence change creates a premature translational stop signal (p.Arg131*) in the DDRGK1 gene. It is expected to result in an absent or disrupted protein product. Loss-of-function variants in DDRGK1 are known to be pathogenic (PMID: 28263186). The frequency data for this variant in the population databases is considered unreliable, as metrics indicate poor data quality at this position in the gnomAD database. This variant has not been reported in the literature in individuals affected with DDRGK1-related conditions. For these reasons, this variant has been classified as Pathogenic.

Literature cited by the submitters: PubMed 28263186 (cited by Labcorp Genetics (formerly Invitae), Labcorp).